The following is an entry in ClinVar:

ClinVar aggregate classification (germline): Benign/Likely benign. Review status: criteria provided, multiple submitters, no conflicts (2 of 4 stars). 3 submissions from 3 submitters: Benign (1); Likely benign (2). Last evaluated 2026-05-06.

Conditions:
Colorectal cancer, hereditary nonpolyposis, type 7. Identifiers: Orphanet 144, MedGen C1858380, MONDO:0013725, OMIM 614385.

Allele frequency attached by ClinVar (database versions not stated): gnomAD exomes below 0.00001.

Submissions (3):

Myriad Genetics, Inc.
Classification: Benign for Colorectal cancer, hereditary nonpolyposis, type 7. Last evaluated: 2026-05-06. Review status: criteria provided, single submitter. Criteria: Myriad Autosomal Dominant, Autosomal Recessive and X-Linked Classification Criteria (2023). Collection method: clinical testing. Allele origin: unknown.
Comment: This variant is considered benign. This variant is a silent/synonymous amino acid change and it is not expected to impact splicing.

Center for Genomic Medicine, Rigshospitalet, Copenhagen University Hospital
Classification: Likely benign. Last evaluated: 2025-03-04. Review status: criteria provided, single submitter. Criteria: ACMG Guidelines, 2015. Collection method: clinical testing. Allele origin: germline.

Ambry Genetics
Classification: Likely benign. Last evaluated: 2019-08-28. Review status: criteria provided, single submitter. Criteria: Ambry Variant Classification Scheme 2023. Collection method: clinical testing. Allele origin: germline.

NM_001040108.2(MLH3):c.4173C>T (p.Phe1391=)

Gene: MLH3 (mutL homolog 3; minus strand). Cytogenetic location: 14q24.3.
Variant type: single nucleotide variant.
Coding change: c.4173C>T on transcript NM_001040108.2 (MANE Select); coding-DNA position 4173, C replaced by T.
Protein change: p.Phe1391=; no amino-acid change (phenylalanine 1391 retained).
Molecular consequence: synonymous variant.
Genome position (GRCh38, 1-based): chr14:75,018,898, G>A on the plus strand (C>T on the coding strand, the complement: MLH3 is on the minus strand). VCF-style: chr14-75018898-G-A. GRCh37 (hg19) VCF-style: chr14-75485601-G-A.
Other names: c.4101C>T, p.Phe1367= (NM_014381.3).
Identifiers: ClinVar variation 1738434 (VCV001738434.5), dbSNP rs2503044508, ClinGen allele CA487175016.